The following is an entry in ClinVar:

NM_001042492.3(NF1):c.494C>T (p.Thr165Ile)

Gene: NF1 (neurofibromin 1; plus strand). Cytogenetic location: 17q11.2.
Variant type: single nucleotide variant.
Coding change: c.494C>T on transcript NM_001042492.3 (MANE Select); coding-DNA position 494, C replaced by T.
Protein change: p.Thr165Ile; replaces threonine 165 with isoleucine.
Molecular consequence: missense variant.
Genome position (GRCh38, 1-based): chr17:31,169,905, C>T. VCF-style: chr17-31169905-C-T. GRCh37 (hg19) VCF-style: chr17-29496923-C-T.
Other names: c.494C>T, p.Thr165Ile (NM_000267.4, NM_001128147.3); short protein forms T165I.
Identifiers: ClinVar variation 232819 (VCV000232819.10), dbSNP rs876660009, ClinGen allele CA10580192.

ClinVar aggregate classification (germline): Uncertain significance. Review status: criteria provided, multiple submitters, no conflicts (2 of 4 stars). 3 submissions from 3 submitters: Uncertain significance (3). Last evaluated 2022-03-15.

Conditions:
Hereditary cancer-predisposing syndrome. Also called: Hereditary Cancer Syndrome; Neoplastic Syndromes, Hereditary; Tumor predisposition; Hereditary neoplastic syndrome. Identifiers: Orphanet 140162, MedGen C0027672, MeSH D009386, MONDO:0015356.
Neurofibromatosis, type 1 (NF1). Also called: Neurofibromatosis, type I; VON RECKLINGHAUSEN DISEASE; NEUROFIBROMATOSIS, TYPE I, SOMATIC; Peripheral type neurofibromatosis. Identifiers: Orphanet 636, MedGen C0027831, MONDO:0018975, OMIM 162200. Disease mechanism: loss of function.

Allele frequency attached by ClinVar (database versions not stated): gnomAD exomes below 0.00001.
gnomAD v4.1: 1 of 1,594,652 alleles (0.000063%); highest among the groups gnomAD compares: Admixed American, 0.0017%; no homozygotes.

Submissions (3):

Genome-Nilou Lab
Classification: Uncertain significance for Neurofibromatosis, type 1. Last evaluated: 2022-03-15. Review status: criteria provided, single submitter. Criteria: ACMG Guidelines, 2015. Collection method: clinical testing. Allele origin: germline. Affected: no.

Labcorp Genetics (formerly Invitae), Labcorp
Classification: Uncertain significance for Neurofibromatosis, type 1. Last evaluated: 2020-08-11. Review status: criteria provided, single submitter. Criteria: Invitae Variant Classification Sherloc (09022015). Collection method: clinical testing. Allele origin: germline.
Comment: In summary, the available evidence is currently insufficient to determine the role of this variant in disease. Therefore, it has been classified as a Variant of Uncertain Significance. Advanced modeling of protein sequence and biophysical properties (such as structural, functional, and spatial information, amino acid conservation, physicochemical variation, residue mobility, and thermodynamic stability) performed at Invitae indicates that this missense variant is expected to disrupt NF1 protein function. This variant has not been reported in the literature in individuals with NF1-related conditions. ClinVar contains an entry for this variant (Variation ID: 232819). This variant is not present in population databases (ExAC no frequency). This sequence change replaces threonine with isoleucine at codon 165 of the NF1 protein (p.Thr165Ile). The threonine residue is moderately conserved and there is a moderate physicochemical difference between threonine and isoleucine.

Ambry Genetics
Classification: Uncertain significance for Hereditary cancer-predisposing syndrome. Last evaluated: 2015-07-11. Review status: criteria provided, single submitter. Criteria: Ambry Autosomal Dominant and X-Linked criteria (10/2015). Collection method: clinical testing. Allele origin: germline. Observed: 1 variant allele.
Comment: <span style="font-size:12px">The p.T165I variant (also known as c.494C>T), located in coding exon 5 of the NF1 gene, results from a C to T substitution at nucleotide position 494. The threonine at codon 165 is replaced by isoleucine, an amino acid with similar properties. This variant was not reported in population based cohorts in the following databases: Database of Single Nucleotide Polymorphisms (dbSNP), NHLBI Exome Sequencing Project (ESP), and 1000 Genomes Project. In the ESP, this variant was not observed in 6503 samples (13006 alleles) with coverage at this position. To date, this alteration has been detected with an allele frequency of approximately 0.002% (greater than 55000 alleles tested) in our clinical cohort.This amino acid position is highly conserved in available vertebrate species. In addition, this alteration is predicted to be deleterious by in silico analysis.Since supporting evidence is limited at this time, the clinical significance of this variant remains unclear.